The following is an entry in ClinVar:

ClinVar aggregate classification (germline): Uncertain significance (1 of 4 stars; one submission).

Submission:

Labcorp Genetics (formerly Invitae), Labcorp
Classification: Uncertain significance. Last evaluated: 2023-05-23. Review status: criteria provided, single submitter. Criteria: Invitae Variant Classification Sherloc (09022015). Collection method: clinical testing. Allele origin: germline.
Comment: In summary, the available evidence is currently insufficient to determine the role of this variant in disease. Therefore, it has been classified as a Variant of Uncertain Significance. Variants that disrupt the consensus splice site are a relatively common cause of aberrant splicing (PMID: 17576681, 9536098). Algorithms developed to predict the effect of sequence changes on RNA splicing suggest that this variant may disrupt the consensus splice site. This variant has not been reported in the literature in individuals affected with COL11A1-related conditions. This variant is not present in population databases (gnomAD no frequency). This sequence change falls in intron 31 of the COL11A1 gene. It does not directly change the encoded amino acid sequence of the COL11A1 protein. It affects a nucleotide within the consensus splice site.

Literature cited by the submitters: PubMed 17576681; PubMed 9536098.

NM_001854.4(COL11A1):c.2556+3A>T

Gene: COL11A1 (collagen type XI alpha 1 chain; minus strand). Cytogenetic location: 1p21.1.
Variant type: single nucleotide variant.
Coding change: c.2556+3A>T on transcript NM_001854.4 (MANE Select); 3 bases into the intron after coding-DNA position 2556, A replaced by T.
Molecular consequence: intron variant.
Genome position (GRCh38, 1-based): chr1:102,984,135, T>A on the plus strand (A>T on the coding strand, the complement: COL11A1 is on the minus strand). VCF-style: chr1-102984135-T-A. GRCh37 (hg19) VCF-style: chr1-103449691-T-A.
Other names: c.2439+3A>T (NM_001190709.2); c.2592+3A>T (NM_080629.3); c.2208+3A>T (NM_080630.4).
Identifiers: ClinVar variation 2763640 (VCV002763640.3), dbSNP rs751101803, ClinGen allele CA2697552579.